The following is an entry in ClinVar:

ClinVar aggregate classification (germline): Conflicting classifications of pathogenicity. Review status: criteria provided, conflicting classifications (1 of 4 stars). 8 submissions from 8 submitters: Uncertain significance (7); Likely benign (1). Last evaluated 2025-12-08.

Conditions:
Cardiovascular phenotype. Identifiers: MedGen CN230736.
Hypercholesterolemia, familial, 1. Also called: HYPERCHOLESTEROLEMIA, FAMILIAL, MODIFIER OF; LDL RECEPTOR DISORDER; Hyperlipoproteinemia Type IIa; HYPER-LOW-DENSITY-LIPOPROTEINEMIA; HYPERCHOLESTEROLEMIC XANTHOMATOSIS, FAMILIAL; Fredrickson type IIa hyperlipoproteinemia. Identifiers: Orphanet 391665, MedGen C0745103, MONDO:0007750, OMIM 143890.
Hypercholesterolemia, autosomal dominant, type B (FHCL2). Also called: Familial Hypercholesterolemia Type B; HYPERCHOLESTEROLEMIA, FAMILIAL, DUE TO LIGAND-DEFECTIVE APOLIPOPROTEIN B; Familial hypercholesterolemia 2; APOB-Related Familial Hypercholesterolemia, Autosomal Dominant; Hyperlipoproteinemia Type IIb; APOLIPOPROTEIN B-100, FAMILIAL DEFECTIVE. Identifiers: MedGen C1704417, MONDO:0007751, OMIM 144010.
Familial hypobetalipoproteinemia 1. Also called: Hypobetalipoproteinemia, normotriglyceridemic; Acanthocytosis with hypobetalipoproteinemia; APOB-Related Familial Hypobetalipoproteinemia. Identifiers: MedGen C4551990, MONDO:0014252, OMIM 615558.

Allele frequency attached by ClinVar (database versions not stated): ExAC 0.00002; gnomAD exomes 0.00002 and 0.00008; gnomAD 0.00003; TOPMed 0.00003; ESP Exome Variant Server 0.00008.
gnomAD v4.1: 141 of 1,613,968 alleles (0.0087%); highest among the groups gnomAD compares: Non-Finnish European, 0.01%; no homozygotes.

Submissions (8):

Labcorp Genetics (formerly Invitae), Labcorp
Classification: Likely benign for Familial hypobetalipoproteinemia 1; Hypercholesterolemia, autosomal dominant, type B. Last evaluated: 2025-12-08. Review status: criteria provided, single submitter. Criteria: Invitae Variant Classification Sherloc (09022015). Collection method: clinical testing. Allele origin: germline.

Ambry Genetics
Classification: Uncertain significance for Cardiovascular phenotype. Last evaluated: 2025-03-24. Review status: criteria provided, single submitter. Criteria: Ambry Variant Classification Scheme 2023. Collection method: clinical testing. Allele origin: germline.
Comment: The p.L2898P variant (also known as c.8693T>C), located in coding exon 26 of the APOB gene, results from a T to C substitution at nucleotide position 8693. The leucine at codon 2898 is replaced by proline, an amino acid with similar properties. This amino acid position is not well conserved in available vertebrate species. In addition, this alteration is predicted to be tolerated by in silico analysis. Since supporting evidence is limited at this time, the clinical significance of this alteration remains unclear.

ARUP Laboratories, Molecular Genetics and Genomics, ARUP Laboratories
Classification: Uncertain significance. Last evaluated: 2025-02-12. Review status: criteria provided, single submitter. Criteria: ARUP Molecular Germline Variant Investigation Process 2024. Collection method: clinical testing. Allele origin: germline.
Comment: The APOB c.8693T>C; p.Leu2898Pro variant (rs376974746, ClinVar Variation ID: 548066) is reported in the literature in at least one individual in a cohort of dyslipidemia patients (Dron 2020). This variant is found in the non-Finnish European population with an allele frequency of 0.005% (7/129110 alleles) in the Genome Aggregation Database (v2.1.1). Computational analyses are uncertain whether this variant is neutral or deleterious (REVEL: 0.206). Due to limited information, the clinical significance of this variant is uncertain at this time. References: Dron JS et al. Six years' experience with LipidSeq: clinical and research learnings from a hybrid, targeted sequencing panel for dyslipidemias. BMC Med Genomics. 2020 Feb 10;13(1):23. PMID: 32041611.

Blueprint Genetics
Classification: Uncertain significance. Last evaluated: 2024-11-11. Review status: criteria provided, single submitter. Criteria: ACMG Guidelines, 2015. Collection method: clinical testing. Allele origin: germline.

GeneDx
Classification: Uncertain significance. Last evaluated: 2024-05-08. Review status: criteria provided, single submitter. Criteria: GeneDx Variant Classification Process June 2021. Collection method: clinical testing. Allele origin: germline. Affected: yes.
Comment: Identified in a cohort of dyslipidemia patients in published literature (PMID: 32041611); In silico analysis supports that this missense variant has a deleterious effect on protein structure/function; This variant is associated with the following publications: (PMID: 30076208, 32041611)

Fulgent Genetics
Classification: Uncertain significance for Hypercholesterolemia, autosomal dominant, type B; Familial hypobetalipoproteinemia 1. Last evaluated: 2021-09-07. Review status: criteria provided, single submitter. Criteria: ACMG Guidelines, 2015. Collection method: clinical testing. Allele origin: unknown.

Mayo Clinic Laboratories, Mayo Clinic
Classification: Uncertain significance. Last evaluated: 2021-06-16. Review status: criteria provided, single submitter. Criteria: ACMG Guidelines, 2015. Collection method: clinical testing. Allele origin: germline.

Robarts Research Institute, Western University
Classification: Uncertain significance for Hypercholesterolemia, familial, 1. Last evaluated: 2018-01-02. Review status: criteria provided, single submitter. Criteria: ACMG Guidelines, 2015. Collection method: clinical testing. Allele origin: germline. Inheritance: Autosomal dominant inheritance. Affected: yes.

NM_000384.3(APOB):c.8693T>C (p.Leu2898Pro)

Gene: APOB (apolipoprotein B; minus strand). Cytogenetic location: 2p24.1.
Variant type: single nucleotide variant.
Coding change: c.8693T>C on transcript NM_000384.3 (MANE Select); coding-DNA position 8693, T replaced by C.
Protein change: p.Leu2898Pro; replaces leucine 2898 with proline.
Molecular consequence: missense variant.
Genome position (GRCh38, 1-based): chr2:21,008,175, A>G on the plus strand (T>C on the coding strand, the complement: APOB is on the minus strand). VCF-style: chr2-21008175-A-G. GRCh37 (hg19) VCF-style: chr2-21231047-A-G.
Other names: p.Leu2898Pro; short protein forms L2898P.
Identifiers: ClinVar variation 548066 (VCV000548066.27), dbSNP rs376974746, ClinGen allele CA065908.